The following is an entry in ClinVar:

ClinVar aggregate classification (germline): Likely benign (0 of 4 stars; one submission).

Conditions:
DKC1-related disorder. Also called: DKC1-related condition. Identifiers: MedGen CN294808, MONDO:0100152.

Allele frequency attached by ClinVar (database versions not stated): gnomAD exomes 0.00001; TOPMed 0.00002; gnomAD 0.00003.
gnomAD v4.1: 10 of 1,179,188 alleles (0.00085%); highest among the groups gnomAD compares: East Asian, 0.025%; no homozygotes.

Submission:

PreventionGenetics, part of Exact Sciences
Classification: Likely benign for DKC1-related condition. Last evaluated: 2023-11-06. Review status: no assertion criteria provided. Collection method: clinical testing. Allele origin: germline.
Comment: This variant is classified as likely benign based on ACMG/AMP sequence variant interpretation guidelines (Richards et al. 2015 PMID: 25741868, with internal and published modifications).

NM_001363.5(DKC1):c.16+7G>A

Gene: DKC1 (dyskerin pseudouridine synthase 1; plus strand). Cytogenetic location: Xq28.
Variant type: single nucleotide variant.
Coding change: c.16+7G>A on transcript NM_001363.5 (MANE Select); 7 bases into the intron after coding-DNA position 16, G replaced by A.
Molecular consequence: intron variant.
Genome position (GRCh38, 1-based): chrX:154,762,988, G>A. VCF-style: chrX-154762988-G-A. GRCh37 (hg19) VCF-style: chrX-153991263-G-A.
Other names: c.16+7G>A (NM_001288747.2, NM_001142463.3).
Identifiers: ClinVar variation 3054252 (VCV003054252.2), dbSNP rs782663560, ClinGen allele CA10566939.